The following is an entry in ClinVar:

ClinVar aggregate classification (germline): Pathogenic (1 of 4 stars; one submission).

Conditions:
Lysinuric protein intolerance (LPI). Identifiers: Orphanet 470, MedGen C0268647, MONDO:0009109, OMIM 222700.

Submission:

Labcorp Genetics (formerly Invitae), Labcorp
Classification: Pathogenic for Lysinuric protein intolerance. Last evaluated: 2022-10-27. Review status: criteria provided, single submitter. Criteria: Invitae Variant Classification Sherloc (09022015). Collection method: clinical testing. Allele origin: germline.
Comment: This sequence change creates a premature translational stop signal (p.Ile273Serfs*2) in the SLC7A7 gene. It is expected to result in an absent or disrupted protein product. Loss-of-function variants in SLC7A7 are known to be pathogenic (PMID: 10631139, 17764084). This variant is not present in population databases (gnomAD no frequency). For these reasons, this variant has been classified as Pathogenic. Algorithms developed to predict the effect of sequence changes on RNA splicing suggest that this variant may disrupt the consensus splice site. This variant has not been reported in the literature in individuals affected with SLC7A7-related conditions.

Literature cited by the submitters: PubMed 10631139; PubMed 17764084.

NM_003982.4(SLC7A7):c.816_822del (p.Ile273fs)

Gene: SLC7A7 (solute carrier family 7 member 7; minus strand). Cytogenetic location: 14q11.2.
Variant type: Deletion.
Coding change: c.816_822del on transcript NM_003982.4 (MANE Select); coding-DNA positions 816 to 822, 7 bases deleted (CATCTAT; older notation c.816_822delCATCTAT).
Protein change: p.Ile273fs; shifts the reading frame from isoleucine 273.
Molecular consequence: frameshift variant.
Genome position (GRCh38, 1-based): chr14:22,776,267-22,776,273, ATAGATG deleted on the plus strand (CATCTAT on the coding strand, the reverse complement: SLC7A7 is on the minus strand); deleting any 7 consecutive bases within chr14:22,776,267-22,776,275 gives the same sequence; the c. name uses the placement nearest the transcript's 3' end. VCF-style (leftmost placement, unchanged base first): chr14-22776266-TATAGATG-T. GRCh37 (hg19) VCF-style: chr14-23245475-TATAGATG-T.
Other names: c.816_822del, p.Ile273fs (NM_001126105.3, NM_001126106.4); short protein forms I273fs.
Identifiers: ClinVar variation 2810304 (VCV002810304.3), dbSNP rs2501847136, ClinGen allele CA2739277797.